The following is an entry in ClinVar:

ClinVar aggregate classification (germline): Uncertain significance (1 of 4 stars; one submission).

Conditions:
Marfan syndrome (MFS). Also called: MARFAN SYNDROME, TYPE I; Marfan syndrome type 1; Marfan's syndrome; Marfan syndrome, classic; FBN1-Related Marfan Syndrome. Identifiers: Orphanet 284963, Orphanet 558, MedGen C0024796, MONDO:0007947, OMIM 154700.
Familial thoracic aortic aneurysm and aortic dissection (TAAD). Also called: Thoracic aortic aneurysms and dissections. Identifiers: Orphanet 91387, MedGen C4707243, MONDO:0019625.

Submission:

Labcorp Genetics (formerly Invitae), Labcorp
Classification: Uncertain significance for Marfan syndrome; Familial thoracic aortic aneurysm and aortic dissection. Last evaluated: 2023-04-29. Review status: criteria provided, single submitter. Criteria: Invitae Variant Classification Sherloc (09022015). Collection method: clinical testing. Allele origin: germline.
Comment: This variant has not been reported in the literature in individuals affected with FBN1-related conditions. In summary, the available evidence is currently insufficient to determine the role of this variant in disease. Therefore, it has been classified as a Variant of Uncertain Significance. Advanced modeling of protein sequence and biophysical properties (such as structural, functional, and spatial information, amino acid conservation, physicochemical variation, residue mobility, and thermodynamic stability) has been performed at Invitae for this missense variant, however the output from this modeling did not meet the statistical confidence thresholds required to predict the impact of this variant on FBN1 protein function. This variant is not present in population databases (gnomAD no frequency). This sequence change replaces threonine, which is neutral and polar, with serine, which is neutral and polar, at codon 1601 of the FBN1 protein (p.Thr1601Ser).

NM_000138.5(FBN1):c.4802C>G (p.Thr1601Ser)

Gene: FBN1 (fibrillin 1; minus strand). Cytogenetic location: 15q21.1.
Variant type: single nucleotide variant.
Coding change: c.4802C>G on transcript NM_000138.5 (MANE Select); coding-DNA position 4802, C replaced by G.
Protein change: p.Thr1601Ser; replaces threonine 1601 with serine.
Molecular consequence: missense variant.
Genome position (GRCh38, 1-based): chr15:48,465,804, G>C on the plus strand (C>G on the coding strand, the complement: FBN1 is on the minus strand). VCF-style: chr15-48465804-G-C. GRCh37 (hg19) VCF-style: chr15-48758001-G-C.
Other names: c.4802C>G, p.Thr1601Ser (NM_001406716.1); short protein forms T1601S.
Identifiers: ClinVar variation 2934911 (VCV002934911.3), dbSNP rs1363357978, ClinGen allele CA392351601.